The following is an entry in ClinVar:

NM_153603.4(COG7):c.2185C>T (p.Pro729Ser)

Gene: COG7 (component of oligomeric golgi complex 7; minus strand). Cytogenetic location: 16p12.2.
Variant type: single nucleotide variant.
Coding change: c.2185C>T on transcript NM_153603.4 (MANE Select); coding-DNA position 2185, C replaced by T.
Protein change: p.Pro729Ser; replaces proline 729 with serine.
Molecular consequence: missense variant.
Genome position (GRCh38, 1-based): chr16:23,389,048, G>A on the plus strand (C>T on the coding strand, the complement: COG7 is on the minus strand). VCF-style: chr16-23389048-G-A. GRCh37 (hg19) VCF-style: chr16-23400369-G-A.
Other names: short protein forms P729S.
Identifiers: ClinVar variation 2006622 (VCV002006622.4), dbSNP rs2506533706, ClinGen allele CA395115957.

ClinVar aggregate classification (germline): Uncertain significance (1 of 4 stars; one submission).

Conditions:
COG7 congenital disorder of glycosylation (CDG2E). Also called: CDG IIe; CONGENITAL DISORDER OF GLYCOSYLATION, TYPE IIe. Identifiers: Orphanet 79333, MedGen C2931010, MONDO:0012118, OMIM 608779.

Submission:

Labcorp Genetics (formerly Invitae), Labcorp
Classification: Uncertain significance for COG7 congenital disorder of glycosylation. Last evaluated: 2022-06-14. Review status: criteria provided, single submitter. Criteria: Invitae Variant Classification Sherloc (09022015). Collection method: clinical testing. Allele origin: germline.
Comment: This sequence change replaces proline, which is neutral and non-polar, with serine, which is neutral and polar, at codon 729 of the COG7 protein (p.Pro729Ser). This variant is not present in population databases (gnomAD no frequency). This variant has not been reported in the literature in individuals affected with COG7-related conditions. Algorithms developed to predict the effect of missense changes on protein structure and function (SIFT, PolyPhen-2, Align-GVGD) all suggest that this variant is likely to be tolerated. In summary, the available evidence is currently insufficient to determine the role of this variant in disease. Therefore, it has been classified as a Variant of Uncertain Significance.